The following is an entry in ClinVar:

NM_001142800.2(EYS):c.4747T>C (p.Tyr1583His)

Gene: EYS (eyes shut homolog; minus strand). Cytogenetic location: 6q12.
Variant type: single nucleotide variant.
Coding change: c.4747T>C on transcript NM_001142800.2 (MANE Select); coding-DNA position 4747, T replaced by C.
Protein change: p.Tyr1583His; replaces tyrosine 1583 with histidine.
Molecular consequence: missense variant.
Genome position (GRCh38, 1-based): chr6:64,591,120, A>G on the plus strand (T>C on the coding strand, the complement: EYS is on the minus strand). VCF-style: chr6-64591120-A-G. GRCh37 (hg19) VCF-style: chr6-65301013-A-G.
Other names: c.4747T>C, p.Tyr1583His (NM_001292009.2); short protein forms Y1583H.
Identifiers: ClinVar variation 2421129 (VCV002421129.3), dbSNP rs878958859, ClinGen allele CA364782627.
Genomic context (GRCh38, chr6:64,591,120, plus strand): 5'-GAGCTCCCATTAGTGCATACCAGCTGGCTAATATCGCTGAGTTCATCCAGAATGTCTCAT[A>G]AAAGTGGGACTGTTTGCTATGCAAAACTTGATCTGAGAATTCACGAGAGGATTTTATTTC-3'
Protein context (NP_001136272.1, residues 1573-1593): QVLHSKQSHF[Tyr1583His]ETFWMNSAIL

ClinVar aggregate classification (germline): Uncertain significance (1 of 4 stars; one submission).

Allele frequency attached by ClinVar (database versions not stated): TOPMed below 0.00001; gnomAD 0.00001; gnomAD exomes 0.00001.
gnomAD v4.1: 10 of 1,551,184 alleles (0.00064%); highest among the groups gnomAD compares: African/African-American, 0.0014%; no homozygotes.

Submission:

Labcorp Genetics (formerly Invitae), Labcorp
Classification: Uncertain significance. Last evaluated: 2021-12-15. Review status: criteria provided, single submitter. Criteria: Invitae Variant Classification Sherloc (09022015). Collection method: clinical testing. Allele origin: germline.
Comment: This sequence change replaces tyrosine, which is neutral and polar, with histidine, which is basic and polar, at codon 1583 of the EYS protein (p.Tyr1583His). This variant is not present in population databases (gnomAD no frequency). This variant has not been reported in the literature in individuals affected with EYS-related conditions. Algorithms developed to predict the effect of missense changes on protein structure and function (SIFT, PolyPhen-2, Align-GVGD) all suggest that this variant is likely to be disruptive. In summary, the available evidence is currently insufficient to determine the role of this variant in disease. Therefore, it has been classified as a Variant of Uncertain Significance.